The following is an entry in ClinVar:

NM_006031.6(PCNT):c.9303C>T (p.Asp3101=)

Gene: PCNT (pericentrin; plus strand). Cytogenetic location: 21q22.3.
Variant type: single nucleotide variant.
Coding change: c.9303C>T on transcript NM_006031.6 (MANE Select); coding-DNA position 9303, C replaced by T.
Protein change: p.Asp3101=; no amino-acid change (aspartic acid 3101 retained).
Molecular consequence: synonymous variant.
Genome position (GRCh38, 1-based): chr21:46,440,112, C>T. VCF-style: chr21-46440112-C-T. GRCh37 (hg19) VCF-style: chr21-47860025-C-T.
Other names: c.8712C>T, p.Asp2904= (NM_001315529.2); c.9303C>T (NM_006031.5).
Identifiers: ClinVar variation 2959094 (VCV002959094.5), dbSNP rs371694617, ClinGen allele CA10081282.

ClinVar aggregate classification (germline): Likely benign. Review status: criteria provided, multiple submitters, no conflicts (2 of 4 stars). 3 submissions from 3 submitters: Likely benign (3). Last evaluated 2025-05-05.

Conditions:
PCNT-related disorder. Also called: PCNT-related condition.

Allele frequency attached by ClinVar (database versions not stated): gnomAD exomes 0.00001; ExAC 0.00002; ESP Exome Variant Server 0.00008.
gnomAD v4.1: 18 of 1,614,028 alleles (0.0011%); highest among the groups gnomAD compares: East Asian, 0.013%; no homozygotes.

Submissions (3):

PreventionGenetics, part of Exact Sciences
Classification: Likely benign for PCNT-related condition. Last evaluated: 2025-05-05. Review status: criteria provided, single submitter. Criteria: ACMG Guidelines, 2015. Collection method: clinical testing. Allele origin: germline.
Comment: This variant is classified as likely benign based on ACMG/AMP sequence variant interpretation guidelines (Richards et al. 2015 PMID: 25741868, with internal and published modifications).

Labcorp Genetics (formerly Invitae), Labcorp
Classification: Likely benign. Last evaluated: 2025-03-13. Review status: criteria provided, single submitter. Criteria: Invitae Variant Classification Sherloc (09022015). Collection method: clinical testing. Allele origin: germline.

Blueprint Genetics
Classification: Likely benign. Last evaluated: 2020-09-16. Review status: criteria provided, single submitter. Criteria: ACMG Guidelines, 2015. Collection method: clinical testing. Allele origin: germline.